The following is an entry in ClinVar:

NM_006421.5(ARFGEF1):c.3719T>G (p.Phe1240Cys)

Gene: ARFGEF1 (ARF guanine nucleotide exchange factor 1; minus strand). Cytogenetic location: 8q13.2.
Variant type: single nucleotide variant.
Coding change: c.3719T>G on transcript NM_006421.5 (MANE Select); coding-DNA position 3719, T replaced by G.
Protein change: p.Phe1240Cys; replaces phenylalanine 1240 with cysteine.
Molecular consequence: missense variant. On other transcripts: non-coding transcript variant (1).
Genome position (GRCh38, 1-based): chr8:67,227,471, A>C on the plus strand (T>G on the coding strand, the complement: ARFGEF1 is on the minus strand). VCF-style: chr8-67227471-A-C. GRCh37 (hg19) VCF-style: chr8-68139706-A-C.
Other names: c.3719T>G, p.Phe1240Cys (NM_001413184.1, NM_001413185.1, NM_001413186.1 and 6 more transcripts); c.3119T>G, p.Phe1040Cys (NM_001413188.1, NM_001413193.1, NM_001413197.1); c.3713T>G, p.Phe1238Cys (NM_001413190.1); c.2294T>G, p.Phe765Cys (NM_001413196.1); short protein forms F1040C, F1238C, F1240C, F765C.
Identifiers: ClinVar variation 3369442 (VCV003369442.2).

ClinVar aggregate classification (germline): Uncertain significance (1 of 4 stars; one submission).

Submission:

GeneDx
Classification: Uncertain significance. Last evaluated: 2026-07-01. Review status: criteria provided, single submitter. Criteria: GeneDx Variant Classification Process June 2021. Collection method: clinical testing. Allele origin: germline.
Comment: Has not been previously published as pathogenic or benign to our knowledge; Not observed at significant frequency in large population cohorts (gnomAD); In silico analysis supports that this missense variant has a deleterious effect on protein structure/function